The following is an entry in ClinVar:

NM_018127.7(ELAC2):c.1214G>A (p.Cys405Tyr)

Gene: ELAC2 (elaC ribonuclease Z 2; minus strand). Cytogenetic location: 17p12.
Variant type: single nucleotide variant.
Coding change: c.1214G>A on transcript NM_018127.7 (MANE Select); coding-DNA position 1214, G replaced by A.
Protein change: p.Cys405Tyr; replaces cysteine 405 with tyrosine.
Molecular consequence: missense variant.
Genome position (GRCh38, 1-based): chr17:13,002,445, C>T on the plus strand (G>A on the coding strand, the complement: ELAC2 is on the minus strand). VCF-style: chr17-13002445-C-T. GRCh37 (hg19) VCF-style: chr17-12905762-C-T.
Other names: c.1094G>A, p.Cys365Tyr (NM_001165962.2); c.1214G>A, p.Cys405Tyr (NM_173717.2); short protein forms C365Y, C405Y.
Identifiers: ClinVar variation 2152952 (VCV002152952.4), dbSNP rs1325811615, ClinGen allele CA398225302.

ClinVar aggregate classification (germline): Uncertain significance (1 of 4 stars; one submission).

Conditions:
Combined oxidative phosphorylation defect type 17. Also called: Combined oxidative phosphorylation deficiency 17. Identifiers: Orphanet 369913, MedGen C3809526, MONDO:0014190, OMIM 615440.

Allele frequency attached by ClinVar (database versions not stated): TOPMed 0.00001; gnomAD 0.00003.

Submission:

Labcorp Genetics (formerly Invitae), Labcorp
Classification: Uncertain significance for Combined oxidative phosphorylation defect type 17. Last evaluated: 2022-11-20. Review status: criteria provided, single submitter. Criteria: Invitae Variant Classification Sherloc (09022015). Collection method: clinical testing. Allele origin: germline.
Comment: In summary, the available evidence is currently insufficient to determine the role of this variant in disease. Therefore, it has been classified as a Variant of Uncertain Significance. Algorithms developed to predict the effect of sequence changes on RNA splicing suggest that this variant may disrupt the consensus splice site. Advanced modeling of protein sequence and biophysical properties (such as structural, functional, and spatial information, amino acid conservation, physicochemical variation, residue mobility, and thermodynamic stability) performed at Invitae indicates that this missense variant is not expected to disrupt ELAC2 protein function. This variant has not been reported in the literature in individuals affected with ELAC2-related conditions. The frequency data for this variant in the population databases is considered unreliable, as metrics indicate poor data quality at this position in the gnomAD database. This sequence change replaces cysteine, which is neutral and slightly polar, with tyrosine, which is neutral and polar, at codon 405 of the ELAC2 protein (p.Cys405Tyr).